The following is an entry in ClinVar:

ClinVar aggregate classification (germline): Benign/Likely benign. Review status: criteria provided, multiple submitters, no conflicts (2 of 4 stars). 3 submissions from 3 submitters: Benign (1); Likely benign (2). Last evaluated 2024-06-26.

Conditions:
Hereditary cancer-predisposing syndrome. Also called: Hereditary neoplastic syndrome; Neoplastic Syndromes, Hereditary; Tumor predisposition; Hereditary Cancer Syndrome. Identifiers: Orphanet 140162, MedGen C0027672, MeSH D009386, MONDO:0015356.
Oligodontia-cancer predisposition syndrome. Also called: TOOTH AGENESIS-COLORECTAL CANCER SYNDROME. Identifiers: Orphanet 300576, MedGen C1837750, MONDO:0012075, OMIM 608615. Disease mechanism: loss of function.

Allele frequency attached by ClinVar (database versions not stated): gnomAD exomes below 0.00001.
gnomAD v4.1: 1 of 1,614,138 alleles (0.000062%); highest among the groups gnomAD compares: Non-Finnish European, 0.000085%; no homozygotes.

Submissions (3):

Myriad Genetics, Inc.
Classification: Benign for Oligodontia-cancer predisposition syndrome. Last evaluated: 2024-06-26. Review status: criteria provided, single submitter. Criteria: Myriad Autosomal Dominant, Autosomal Recessive and X-Linked Classification Criteria (2023). Collection method: clinical testing. Allele origin: unknown.
Comment: This variant is considered benign. This variant is a silent/synonymous amino acid change and it is not expected to impact splicing.

Ambry Genetics
Classification: Likely benign for Hereditary cancer-predisposing syndrome. Last evaluated: 2021-03-25. Review status: criteria provided, single submitter. Criteria: Ambry Variant Classification Scheme 2023. Collection method: clinical testing. Allele origin: germline.

Labcorp Genetics (formerly Invitae), Labcorp
Classification: Likely benign for Oligodontia-cancer predisposition syndrome. Last evaluated: 2017-11-23. Review status: criteria provided, single submitter. Criteria: Invitae Variant Classification Sherloc (09022015). Collection method: clinical testing. Allele origin: germline.

NM_004655.4(AXIN2):c.465C>T (p.Thr155=)

Gene: AXIN2 (axin 2; minus strand). Cytogenetic location: 17q24.1.
Variant type: single nucleotide variant.
Coding change: c.465C>T on transcript NM_004655.4 (MANE Select); coding-DNA position 465, C replaced by T.
Protein change: p.Thr155=; no amino-acid change (threonine 155 retained).
Molecular consequence: synonymous variant.
Genome position (GRCh38, 1-based): chr17:65,558,156, G>A on the plus strand (C>T on the coding strand, the complement: AXIN2 is on the minus strand). VCF-style: chr17-65558156-G-A. GRCh37 (hg19) VCF-style: chr17-63554274-G-A.
Other names: c.465C>T (LRG_296t1); c.465C>T, p.Thr155= (NM_001363813.1).
Identifiers: ClinVar variation 533262 (VCV000533262.12), dbSNP rs1555583449, ClinGen allele CA501691726.